The following is an entry in ClinVar:

NM_001382391.1(CSPP1):c.2464G>T (p.Glu822Ter)

Gene: CSPP1 (centrosome and spindle pole associated protein 1; plus strand). Cytogenetic location: 8q13.2.
Variant type: single nucleotide variant.
Coding change: c.2464G>T on transcript NM_001382391.1 (MANE Select); coding-DNA position 2464, G replaced by T.
Protein change: p.Glu822Ter; replaces glutamic acid 822 with a stop codon.
Molecular consequence: nonsense.
Genome position (GRCh38, 1-based): chr8:67,159,063, G>T. VCF-style: chr8-67159063-G-T. GRCh37 (hg19) VCF-style: chr8-68071298-G-T.
Other names: c.1765G>T, p.Glu589Ter (NM_001438332.1); c.2449G>T, p.Glu817Ter (NM_024790.7, NM_001438331.1); c.1414G>T, p.Glu472Ter (NM_001291339.2); c.2383G>T, p.Glu795Ter (NM_001363131.2); c.2269G>T, p.Glu757Ter (NM_001363132.2); c.2188G>T, p.Glu730Ter (NM_001363133.2); c.2530G>T, p.Glu844Ter (NM_001364869.1); c.2350G>T, p.Glu784Ter (NM_001364870.1); and 1 more; short protein forms E589*, E730*, E822*, E844*, E784*, E472*, E817*, E757*.
Identifiers: ClinVar variation 5007333 (VCV005007333.2).

ClinVar aggregate classification (germline): Likely pathogenic (1 of 4 stars; one submission).

Conditions:
Joubert syndrome 21 (JBTS21). Identifiers: MedGen C3810212, MONDO:0014288, OMIM 615636.

Submission:

Juno Genomics, Hangzhou Juno Genomics, Inc
Classification: Likely pathogenic for Joubert syndrome 21. Review status: criteria provided, single submitter. Criteria: ACMG Guidelines, 2015. Collection method: clinical testing. Allele origin: germline.
Comment: Null variant in a gene where loss of function (LOF) is a known mechanism of disease.;Absent from controls (or at extremely low frequency if recessive) in Genome Aggregation Database.